The following is an entry in ClinVar:

NM_000709.4(BCKDHA):c.420G>A (p.Thr140=)

Gene: BCKDHA (branched chain keto acid dehydrogenase E1 subunit alpha; plus strand). Cytogenetic location: 19q13.2.
Variant type: single nucleotide variant.
Coding change: c.420G>A on transcript NM_000709.4 (MANE Select); coding-DNA position 420, G replaced by A.
Protein change: p.Thr140=; no amino-acid change (threonine 140 retained).
Molecular consequence: synonymous variant.
Genome position (GRCh38, 1-based): chr19:41,414,093, G>A. VCF-style: chr19-41414093-G-A. GRCh37 (hg19) VCF-style: chr19-41919998-G-A.
Other names: c.420G>A, p.Thr140= (NM_001164783.2).
Identifiers: ClinVar variation 515505 (VCV000515505.23), dbSNP rs143608852, ClinGen allele CA9461134.

ClinVar aggregate classification (germline): Conflicting classifications of pathogenicity. Review status: criteria provided, conflicting classifications (1 of 4 stars). 7 submissions from 7 submitters: Uncertain significance (1); Likely benign (5). 1 of the submissions does not count toward it. Last evaluated 2026-01-14.

Conditions:
Inborn genetic diseases. Identifiers: MedGen C0950123, MeSH D030342.
BCKDHA-related disorder. Also called: BCKDHA-related condition.
Maple syrup urine disease (MSUD). Identifiers: Orphanet 511, MedGen C0024776, MeSH D008375, MONDO:0009563. Disease mechanism: loss of function.

Allele frequency attached by ClinVar (database versions not stated): gnomAD 0.00016; TOPMed 0.00018; ESP Exome Variant Server 0.00031.
gnomAD v4.1: 323 of 1,613,644 alleles (0.02%); highest among the groups gnomAD compares: Non-Finnish European, 0.024%; no homozygotes.

Submissions (7):

Labcorp Genetics (formerly Invitae), Labcorp
Classification: Likely benign for Maple syrup urine disease. Last evaluated: 2026-01-14. Review status: criteria provided, single submitter. Criteria: Invitae Variant Classification Sherloc (09022015). Collection method: clinical testing. Allele origin: germline.

Ambry Genetics
Classification: Likely benign for Inborn genetic diseases. Last evaluated: 2024-03-11. Review status: criteria provided, single submitter. Criteria: Ambry Variant Classification Scheme 2023. Collection method: clinical testing. Allele origin: germline.

Blueprint Genetics
Classification: Likely benign. Last evaluated: 2023-07-13. Review status: criteria provided, single submitter. Criteria: ACMG Guidelines, 2015. Collection method: clinical testing. Allele origin: germline.

Genome-Nilou Lab
Classification: Likely benign for Maple syrup urine disease type 1A. Last evaluated: 2021-11-07. Review status: criteria provided, single submitter. Criteria: ACMG Guidelines, 2015. Collection method: clinical testing. Allele origin: germline. Affected: no.

GeneDx
Classification: Likely benign. Last evaluated: 2018-02-27. Review status: criteria provided, single submitter. Criteria: GeneDx Variant Classification (06012015). Collection method: clinical testing. Allele origin: germline. Affected: yes.
Comment: This variant is considered likely benign or benign based on one or more of the following criteria: it is a conservative change, it occurs at a poorly conserved position in the protein, it is predicted to be benign by multiple in silico algorithms, and/or has population frequency not consistent with disease.

Illumina Laboratory Services, Illumina
Classification: Uncertain significance for Maple syrup urine disease type 1A. Last evaluated: 2018-01-13. Review status: criteria provided, single submitter. Criteria: ICSL Variant Classification Criteria 13 December 2019. Collection method: clinical testing. Allele origin: germline.

PreventionGenetics, part of Exact Sciences
Classification: Likely benign for BCKDHA-related condition. Last evaluated: 2019-06-10. Review status: no assertion criteria provided. Collection method: clinical testing. Allele origin: germline. Not counted in ClinVar's aggregate classification.
Comment: This variant is classified as likely benign based on ACMG/AMP sequence variant interpretation guidelines (Richards et al. 2015 PMID: 25741868, with internal and published modifications).